The following is an entry in ClinVar:

ClinVar aggregate classification (germline): Uncertain significance (1 of 4 stars; one submission).

Conditions:
Joubert syndrome. Also called: CEREBELLOPARENCHYMAL DISORDER IV; JOUBERT-BOLTSHAUSER SYNDROME; Familial aplasia of the vermis. Identifiers: Orphanet 475, MedGen C5979921, MONDO:0018772.
Meckel-Gruber syndrome. Also called: DYSENCEPHALIA SPLANCHNOCYSTICA; GRUBER SYNDROME; Dysencephalia splachnocystica. Identifiers: Orphanet 564, MedGen C0265215, MONDO:0018921.

Allele frequency attached by ClinVar (database versions not stated): 1000 Genomes Project 30x 0.00016; 1000 Genomes Project 0.00020; gnomAD 0.00001; gnomAD exomes 0.00001.
gnomAD v4.1: 8 of 1,613,596 alleles (0.0005%); highest among the groups gnomAD compares: South Asian, 0.0077%; 1 homozygote.

Submission:

Labcorp Genetics (formerly Invitae), Labcorp
Classification: Uncertain significance for Joubert syndrome; Meckel-Gruber syndrome. Last evaluated: 2022-09-13. Review status: criteria provided, single submitter. Criteria: Invitae Variant Classification Sherloc (09022015). Collection method: clinical testing. Allele origin: germline.
Comment: In summary, the available evidence is currently insufficient to determine the role of this variant in disease. Therefore, it has been classified as a Variant of Uncertain Significance. Advanced modeling of protein sequence and biophysical properties (such as structural, functional, and spatial information, amino acid conservation, physicochemical variation, residue mobility, and thermodynamic stability) performed at Invitae indicates that this missense variant is not expected to disrupt MKS1 protein function. This variant has not been reported in the literature in individuals affected with MKS1-related conditions. This variant is present in population databases (rs545364645, gnomAD 0.003%). This sequence change replaces serine, which is neutral and polar, with arginine, which is basic and polar, at codon 545 of the MKS1 protein (p.Ser545Arg).

NM_017777.4(MKS1):c.1635C>A (p.Ser545Arg)

Gene: MKS1 (MKS transition zone complex subunit 1; minus strand). Cytogenetic location: 17q22.
Variant type: single nucleotide variant.
Coding change: c.1635C>A on transcript NM_017777.4 (MANE Select); coding-DNA position 1635, C replaced by A.
Protein change: p.Ser545Arg; replaces serine 545 with arginine.
Molecular consequence: missense variant. On other transcripts: 3 prime UTR variant (1).
Genome position (GRCh38, 1-based): chr17:58,206,124, G>T on the plus strand (C>A on the coding strand, the complement: MKS1 is on the minus strand). VCF-style: chr17-58206124-G-T. GRCh37 (hg19) VCF-style: chr17-56283485-G-T.
Other names: c.1026C>A, p.Ser342Arg (NM_001321268.2); c.1552C>A, p.Pro518Thr (NM_001321269.2); c.*47C>A (NM_001330397.2); short protein forms S342R, S545R, P518T.
Identifiers: ClinVar variation 1968833 (VCV001968833.5), dbSNP rs545364645, ClinGen allele CA292007394.